The following is an entry in ClinVar:

NM_001377.3(DYNC2H1):c.11229T>C (p.Ala3743=)

Gene: DYNC2H1 (dynein cytoplasmic 2 heavy chain 1; plus strand). Cytogenetic location: 11q22.3.
Variant type: single nucleotide variant.
Coding change: c.11229T>C on transcript NM_001377.3 (MANE Select); coding-DNA position 11229, T replaced by C.
Protein change: p.Ala3743=; no amino-acid change (alanine 3743 retained).
Molecular consequence: synonymous variant.
Genome position (GRCh38, 1-based): chr11:103,303,226, T>C. VCF-style: chr11-103303226-T-C. GRCh37 (hg19) VCF-style: chr11-103173955-T-C.
Other names: c.11250T>C, p.Ala3750= (NM_001080463.2).
Identifiers: ClinVar variation 1634219 (VCV001634219.18), dbSNP rs762738219, ClinGen allele CA6255182.
Genomic context (GRCh38, chr11:103,303,226, plus strand): 5'-CTTGATAATTATTTCTCCGGGTGCTGATCCTTCTCAGGAACTTCAAGAACTAGCTAATGC[T>C]GAAAGAAGCGGAGAGTGTTATCACCAGGTAAGTACATATTGTCCCGCTGTTTTTGTTTTT-3'
Protein context (NP_001368.2, residues 3733-3753): PSQELQELAN[Ala3743=]ERSGECYHQV

ClinVar aggregate classification (germline): Likely benign. Review status: criteria provided, multiple submitters, no conflicts (2 of 4 stars). 2 submissions from 2 submitters: Likely benign (2). Last evaluated 2025-05-01.

Conditions:
Jeune thoracic dystrophy. Also called: Short-rib thoracic dysplasia; Jeune syndrome; Infantile thoracic dystrophy; Thoracic pelvic phalangeal dystrophy; Jeune's syndrome; Chondroectodermal dysplasia-like syndrome. Identifiers: Orphanet 474, MedGen C0265275, MONDO:0018770.

Allele frequency attached by ClinVar (database versions not stated): gnomAD 0.00001; gnomAD exomes 0.00002 and 0.00003; ExAC 0.00003.
gnomAD v4.1: 17 of 1,612,396 alleles (0.0011%); highest among the groups gnomAD compares: Non-Finnish European, 0.0014%; no homozygotes.

Submissions (2):

CeGaT Center for Human Genetics Tuebingen
Classification: Likely benign. Last evaluated: 2025-05-01. Review status: criteria provided, single submitter. Criteria: CeGaT Center For Human Genetics Tuebingen Variant Classification Criteria Version 2. Collection method: clinical testing. Allele origin: germline. Affected: yes. Observed: 1 variant allele.
Comment: DYNC2H1: BP4, BP7

Labcorp Genetics (formerly Invitae), Labcorp
Classification: Likely benign for Jeune thoracic dystrophy. Last evaluated: 2025-03-23. Review status: criteria provided, single submitter. Criteria: Invitae Variant Classification Sherloc (09022015). Collection method: clinical testing. Allele origin: germline.